The following is an entry in ClinVar:

NM_080680.3(COL11A2):c.28C>T (p.Leu10Phe)

Gene: COL11A2 (collagen type XI alpha 2 chain; minus strand). Cytogenetic location: 6p21.32.
Variant type: single nucleotide variant.
Coding change: c.28C>T on transcript NM_080680.3 (MANE Select); coding-DNA position 28, C replaced by T.
Protein change: p.Leu10Phe; replaces leucine 10 with phenylalanine.
Molecular consequence: missense variant.
Genome position (GRCh38, 1-based): chr6:33,192,213, G>A on the plus strand (C>T on the coding strand, the complement: COL11A2 is on the minus strand). VCF-style: chr6-33192213-G-A. GRCh37 (hg19) VCF-style: chr6-33159990-G-A.
Other names: c.28C>T, p.Leu10Phe (NM_001163771.2, NM_080679.3, NM_080681.3); short protein forms L10F.
Identifiers: ClinVar variation 2095420 (VCV002095420.4), dbSNP rs2535614280, ClinGen allele CA363615034.

ClinVar aggregate classification (germline): Uncertain significance (1 of 4 stars; one submission).

Submission:

Labcorp Genetics (formerly Invitae), Labcorp
Classification: Uncertain significance. Last evaluated: 2025-12-08. Review status: criteria provided, single submitter. Criteria: Invitae Variant Classification Sherloc (09022015). Collection method: clinical testing. Allele origin: germline.
Comment: This sequence change replaces leucine, which is neutral and non-polar, with phenylalanine, which is neutral and non-polar, at codon 10 of the COL11A2 protein (p.Leu10Phe). This variant is not present in population databases (gnomAD no frequency). This variant has not been reported in the literature in individuals affected with COL11A2-related conditions. ClinVar contains an entry for this variant (Variation ID: 2095420). Invitae Evidence Modeling of protein sequence and biophysical properties (such as structural, functional, and spatial information, amino acid conservation, physicochemical variation, residue mobility, and thermodynamic stability) indicates that this missense variant is not expected to disrupt COL11A2 protein function with a negative predictive value of 95%. In summary, the available evidence is currently insufficient to determine the role of this variant in disease. Therefore, it has been classified as a Variant of Uncertain Significance.